The following is an entry in ClinVar:

ClinVar aggregate classification (germline): Uncertain significance (1 of 4 stars; one submission).

Conditions:
Autosomal recessive nonsyndromic hearing loss 29. Identifiers: Orphanet 90636, MedGen C3279660, MONDO:0013537, OMIM 614035.

Submission:

MVZ Martinsried, Medicover Genetics
Classification: Uncertain significance for Autosomal recessive nonsyndromic hearing loss 29. Last evaluated: 2025-11-17. Review status: criteria provided, single submitter. Criteria: ClinGen Variant Curation SOP V3.2 + Classification Guidance July2025. Collection method: clinical testing. Allele origin: unknown. Affected: yes. Observed: 1 compound heterozygote.
Comment: Confirmed in trans with variant NM_001146079.2(CLDN14):c.664dup.

NM_001146079.2(CLDN14):c.487G>A (p.Ala163Thr)

Genes: CLDN14 (claudin 14; minus strand), CLDN14-AS1 (CLDN14 antisense RNA 1; plus strand). Cytogenetic location: 21q22.13.
Variant type: single nucleotide variant.
Coding change: c.487G>A on transcript NM_001146079.2 (MANE Select); coding-DNA position 487, G replaced by A.
Protein change: p.Ala163Thr; replaces alanine 163 with threonine.
Molecular consequence: missense variant.
Genome position (GRCh38, 1-based): chr21:36,461,209, C>T on the plus strand (G>A on the coding strand, the complement: CLDN14 is on the minus strand). VCF-style: chr21-36461209-C-T. GRCh37 (hg19) VCF-style: chr21-37833507-C-T.
Other names: c.487G>A, p.Ala163Thr (NM_001146077.2, NM_001146078.3, NM_012130.4 and 1 more transcripts); short protein forms A163T.
Identifiers: ClinVar variation 4795148 (VCV004795148.1).